The following is an entry in ClinVar:

NM_199242.3(UNC13D):c.1393G>A (p.Gly465Ser)

Gene: UNC13D (unc-13 homolog D; minus strand). Cytogenetic location: 17q25.1.
Variant type: single nucleotide variant.
Coding change: c.1393G>A on transcript NM_199242.3 (MANE Select); coding-DNA position 1393, G replaced by A.
Protein change: p.Gly465Ser; replaces glycine 465 with serine.
Molecular consequence: missense variant.
Genome position (GRCh38, 1-based): chr17:75,836,253, C>T on the plus strand (G>A on the coding strand, the complement: UNC13D is on the minus strand). VCF-style: chr17-75836253-C-T. GRCh37 (hg19) VCF-style: chr17-73832334-C-T.
Other names: short protein forms G465S.
Identifiers: ClinVar variation 1942736 (VCV001942736.2), dbSNP rs2545982254, ClinGen allele CA401098970.

ClinVar aggregate classification (germline): Uncertain significance (1 of 4 stars; one submission).

Conditions:
Familial hemophagocytic lymphohistiocytosis 3 (FHL3). Also called: UNC13D-Related Familial Hemophagocytic Lymphohistiocytosis (UNC13D-fHLH). Identifiers: Orphanet 540, MedGen C1837174, MONDO:0012146, OMIM 608898.

Submission:

Labcorp Genetics (formerly Invitae), Labcorp
Classification: Uncertain significance for Familial hemophagocytic lymphohistiocytosis 3. Last evaluated: 2022-08-16. Review status: criteria provided, single submitter. Criteria: Invitae Variant Classification Sherloc (09022015). Collection method: clinical testing. Allele origin: germline.
Comment: This sequence change replaces glycine, which is neutral and non-polar, with serine, which is neutral and polar, at codon 465 of the UNC13D protein (p.Gly465Ser). This variant is not present in population databases (gnomAD no frequency). This variant has not been reported in the literature in individuals affected with UNC13D-related conditions. Algorithms developed to predict the effect of missense changes on protein structure and function are either unavailable or do not agree on the potential impact of this missense change (SIFT: "Not Available"; PolyPhen-2: "Probably Damaging"; Align-GVGD: "Not Available"). Algorithms developed to predict the effect of sequence changes on RNA splicing suggest that this variant may create or strengthen a splice site. In summary, the available evidence is currently insufficient to determine the role of this variant in disease. Therefore, it has been classified as a Variant of Uncertain Significance.